The following is an entry in ClinVar:

ClinVar aggregate classification (germline): Benign/Likely benign. Review status: criteria provided, multiple submitters, no conflicts (2 of 4 stars). 8 submissions from 8 submitters: Benign (5); Likely benign (2). 1 of the submissions does not count toward it. Last evaluated 2026-02-02.

Conditions:
Inborn genetic diseases. Identifiers: MedGen C0950123, MeSH D030342.
Cortical dysplasia-focal epilepsy syndrome (PTHSL1). Also called: Pitt-Hopkins-like syndrome 1. Identifiers: Orphanet 163681, Orphanet 221150, MedGen C2750246, MONDO:0012400, OMIM 610042.

Allele frequency attached by ClinVar (database versions not stated): gnomAD exomes 0.00269; ExAC 0.00330; gnomAD 0.01006 and 0.01075; 1000 Genomes Project 0.01078; 1000 Genomes Project 30x 0.01156; TOPMed 0.01161; ESP Exome Variant Server 0.01192.
gnomAD v4.1: 3,163 of 1,613,984 alleles (0.2%); highest among the groups gnomAD compares: African/African-American, 3.5%; 50 homozygotes.

Submissions (8):

Labcorp Genetics (formerly Invitae), Labcorp
Classification: Benign for Cortical dysplasia-focal epilepsy syndrome. Last evaluated: 2026-02-02. Review status: criteria provided, single submitter. Criteria: Invitae Variant Classification Sherloc (09022015). Collection method: clinical testing. Allele origin: germline.

Mayo Clinic Laboratories, Mayo Clinic
Classification: Benign. Last evaluated: 2018-09-11. Review status: criteria provided, single submitter. Criteria: ACMG Guidelines, 2015. Collection method: clinical testing. Allele origin: germline. Observed: 8 variant alleles.

Illumina Laboratory Services, Illumina
Classification: Benign for Cortical dysplasia-focal epilepsy syndrome. Last evaluated: 2018-01-12. Review status: criteria provided, single submitter. Criteria: ICSL Variant Classification Criteria 13 December 2019. Collection method: clinical testing. Allele origin: germline.
Comment: This variant was observed in the ICSL laboratory as part of a predisposition screen in an ostensibly healthy population. It had not been previously curated by ICSL or reported in the Human Gene Mutation Database (HGMD: prior to June 1st, 2018), and was therefore a candidate for classification through an automated scoring system. Utilizing variant allele frequency, disease prevalence and penetrance estimates, and inheritance mode, an automated score was calculated to assess if this variant is too frequent to cause the disease. Based on the score and internal cut-off values, a variant classified as benign is not then subjected to further curation. The score for this variant resulted in a classification of benign for this disease.

Ambry Genetics
Classification: Likely benign for Inborn genetic diseases. Last evaluated: 2016-06-18. Review status: criteria provided, single submitter. Criteria: Ambry Variant Classification Scheme 2023. Collection method: clinical testing. Allele origin: germline.

GeneDx
Classification: Benign. Last evaluated: 2015-03-03. Review status: criteria provided, single submitter. Criteria: GeneDx Variant Classification Process June 2021. Collection method: clinical testing. Allele origin: germline. Affected: yes.

Breakthrough Genomics
Classification: Likely benign. Review status: criteria provided, single submitter. Criteria: ACMG Guidelines, 2015. Collection method: not provided. Allele origin: germline. Inheritance: Autosomal recessive inheritance. Affected: yes.

PreventionGenetics, part of Exact Sciences
Classification: Benign. Review status: criteria provided, single submitter. Criteria: ACMG Guidelines, 2015. Collection method: clinical testing. Allele origin: germline.

Genetic Services Laboratory, University of Chicago
Classification: Likely benign for AllHighlyPenetrant. Review status: no assertion criteria provided. Collection method: clinical testing. Allele origin: germline. Inheritance: Autosomal recessive inheritance. Not counted in ClinVar's aggregate classification.
Comment: Likely benign based on allele frequency in 1000 Genomes Project or ESP global frequency and its presence in a patient with a rare or unrelated disease phenotype. NOT Sanger confirmed.

NM_014141.6(CNTNAP2):c.1854C>T (p.Gly618=)

Gene: CNTNAP2 (contactin associated protein 2; plus strand). Cytogenetic location: 7q35.
Variant type: single nucleotide variant.
Coding change: c.1854C>T on transcript NM_014141.6 (MANE Select); coding-DNA position 1854, C replaced by T.
Protein change: p.Gly618=; no amino-acid change (glycine 618 retained).
Molecular consequence: synonymous variant.
Genome position (GRCh38, 1-based): chr7:147,562,214, C>T. VCF-style: chr7-147562214-C-T. GRCh37 (hg19) VCF-style: chr7-147259306-C-T.
Other names: p.Gly618=.
Identifiers: ClinVar variation 128802 (VCV000128802.30), dbSNP rs61732849, ClinGen allele CA152451.